The following is an entry in ClinVar:

NM_007294.4(BRCA1):c.301+4A>G

Gene: BRCA1 (BRCA1 DNA repair associated; minus strand). Cytogenetic location: 17q21.31.
Variant type: single nucleotide variant.
Coding change: c.301+4A>G on transcript NM_007294.4 (MANE Select); 4 bases into the intron after coding-DNA position 301, A replaced by G.
Molecular consequence: intron variant.
Genome position (GRCh38, 1-based): chr17:43,104,864, T>C on the plus strand (A>G on the coding strand, the complement: BRCA1 is on the minus strand). VCF-style: chr17-43104864-T-C. GRCh37 (hg19) VCF-style: chr17-41256881-T-C.
Other names: c.160+4A>G (NM_001408458.1, NM_001407931.1, NM_001407747.1 and 99 more transcripts); c.-218-10004A>G (NM_001407967.1, NM_001407966.1); c.-81+4A>G (NM_001407959.1, NM_001407962.1, NM_001408512.1 and 4 more transcripts); c.91+4A>G (NM_001407885.1, NM_001407886.1, NM_001407898.1 and 58 more transcripts); c.301+4A>G (NM_001407686.1, NM_001408397.1, NM_001407632.1 and 164 more transcripts); c.169+4A>G (NM_001408451.1); c.223+4A>G (NM_001408475.1, NM_001407875.1, NM_001407659.1 and 21 more transcripts); c.292+13A>G (NM_001408408.1, NM_001407647.1, NM_001407646.1).
Identifiers: ClinVar variation 865383 (VCV000865383.9), dbSNP rs2054669183, ClinGen allele CA916080818.

ClinVar aggregate classification (germline): Uncertain significance (1 of 4 stars; one submission).

Conditions:
Hereditary breast ovarian cancer syndrome. Also called: Hereditary breast and/or ovarian cancer syndrome; BRCA1- and BRCA2-Associated Hereditary Breast and Ovarian Cancer; Hereditary breast and ovarian cancer syndrome; Hereditary breast and ovarian cancer; Hereditary breast and ovarian cancer syndrome (HBOC); Breast and ovarian cancer. Identifiers: Orphanet 145, MedGen C0677776, MeSH D061325, MONDO:0003582. Disease mechanism: loss of function.

Submissions (2):

Labcorp Genetics (formerly Invitae), Labcorp
Classification: Uncertain significance for Hereditary breast ovarian cancer syndrome. Last evaluated: 2021-07-06. Review status: criteria provided, single submitter. Criteria: Invitae Variant Classification Sherloc (09022015). Collection method: clinical testing. Allele origin: germline.
Comment: In summary, the available evidence is currently insufficient to determine the role of this variant in disease. Therefore, it has been classified as a Variant of Uncertain Significance. Nucleotide substitutions within the consensus splice site are a relatively common cause of aberrant splicing (PMID: 17576681, 9536098). Algorithms developed to predict the effect of sequence changes on RNA splicing suggest that this variant may disrupt the consensus splice site. This sequence change falls in intron 5 of the BRCA1 gene. It does not directly change the encoded amino acid sequence of the BRCA1 protein. It affects a nucleotide within the consensus splice site of the intron. This variant is not present in population databases (ExAC no frequency). This variant has not been reported in the literature in individuals affected with BRCA1-related conditions. ClinVar contains an entry for this variant (Variation ID: 865383). Algorithms developed to predict the effect of variants on protein structure and function are not available or were not evaluated for this variant. Experimental studies have shown that this variant affects BRCA1 protein function (PMID: 30209399).

Brotman Baty Institute, University of Washington
No classification provided (evidence only). Condition: Breast-ovarian cancer, familial 1. Review status: no classification provided. Collection method: in vitro. Allele origin: not applicable. Functional consequence: functionally_abnormal. Not counted in ClinVar's aggregate classification.
ClinVar note: "not provided" was previously submitted as the classification for the variant. However, the classification appeared to be based only on an observation of functional data so it was converted to no classification on 2025-07-30.

Literature cited by the submitters: PubMed 17576681 (cited by Labcorp Genetics (formerly Invitae), Labcorp); PubMed 9536098 (cited by Labcorp Genetics (formerly Invitae), Labcorp); PubMed 30209399 (cited by Labcorp Genetics (formerly Invitae), Labcorp).